The following is an entry in ClinVar:

ClinVar aggregate classification (germline): Likely benign. Review status: criteria provided, multiple submitters, no conflicts (2 of 4 stars). 3 submissions from 3 submitters: Likely benign (3). Last evaluated 2026-01-20.

Conditions:
COL9A3-related disorder. Also called: COL9A3-related condition.

Allele frequency attached by ClinVar (database versions not stated): TOPMed 0.00001; gnomAD 0.00002.

Submissions (3):

Labcorp Genetics (formerly Invitae), Labcorp
Classification: Likely benign. Last evaluated: 2026-01-20. Review status: criteria provided, single submitter. Criteria: Invitae Variant Classification Sherloc (09022015). Collection method: clinical testing. Allele origin: germline.

PreventionGenetics, part of Exact Sciences
Classification: Likely benign for COL9A3-related condition. Last evaluated: 2025-04-02. Review status: criteria provided, single submitter. Criteria: ACMG Guidelines, 2015. Collection method: clinical testing. Allele origin: germline.
Comment: This variant is classified as likely benign based on ACMG/AMP sequence variant interpretation guidelines (Richards et al. 2015 PMID: 25741868, with internal and published modifications).

Blueprint Genetics
Classification: Likely benign. Last evaluated: 2024-11-11. Review status: criteria provided, single submitter. Criteria: ACMG Guidelines, 2015. Collection method: clinical testing. Allele origin: germline.

NM_001853.4(COL9A3):c.1288-4C>T

Gene: COL9A3 (collagen type IX alpha 3 chain; plus strand). Cytogenetic location: 20q13.33.
Variant type: single nucleotide variant.
Coding change: c.1288-4C>T on transcript NM_001853.4 (MANE Select); 4 bases into the intron before coding-DNA position 1288, C replaced by T.
Molecular consequence: intron variant.
Genome position (GRCh38, 1-based): chr20:62,832,150, C>T. VCF-style: chr20-62832150-C-T. GRCh37 (hg19) VCF-style: chr20-61463502-C-T.
Other names: c.1288-4C>T (NM_001853.3).
Identifiers: ClinVar variation 2155307 (VCV002155307.6), dbSNP rs780687561, ClinGen allele CA317336697.